The following is an entry in ClinVar:

NM_000321.3(RB1):c.2255T>C (p.Ile752Thr)

Gene: RB1 (RB transcriptional corepressor 1; plus strand). Cytogenetic location: 13q14.2.
Variant type: single nucleotide variant.
Coding change: c.2255T>C on transcript NM_000321.3 (MANE Select); coding-DNA position 2255, T replaced by C.
Protein change: p.Ile752Thr; replaces isoleucine 752 with threonine.
Molecular consequence: missense variant.
Genome position (GRCh38, 1-based): chr13:48,465,041, T>C. VCF-style: chr13-48465041-T-C. GRCh37 (hg19) VCF-style: chr13-49039177-T-C.
Other names: c.2255T>C, p.Ile752Thr (NM_001407165.1); short protein forms I752T.
Identifiers: ClinVar variation 1788515 (VCV001788515.6), dbSNP rs2542375251, ClinGen allele CA388167578.
Genomic context (GRCh38, chr13:48,465,041, plus strand): 5'-TTACTGTTCTTCCTCAGACATTCAAACGTGTTTTGATCAAAGAAGAGGAGTATGATTCTA[T>C]TATAGTATTCTATAACTCGGTCTTCATGCAGAGACTGAAAACAAATATTTTGCAGTATGC-3'
Protein context (NP_000312.2, residues 742-762): VLIKEEEYDS[Ile752Thr]IVFYNSVFMQ

ClinVar aggregate classification (germline): Uncertain significance. Review status: criteria provided, multiple submitters, no conflicts (2 of 4 stars). 3 submissions from 3 submitters: Uncertain significance (3). Last evaluated 2024-10-22.

Conditions:
Hereditary cancer-predisposing syndrome. Also called: Hereditary Cancer Syndrome; Hereditary neoplastic syndrome; Tumor predisposition; Neoplastic Syndromes, Hereditary. Identifiers: Orphanet 140162, MedGen C0027672, MeSH D009386, MONDO:0015356.
Retinoblastoma (RB1). Also called: RETINOBLASTOMA, SOMATIC. Identifiers: Orphanet 790, MedGen C0035335, MeSH D012175, MONDO:0008380, OMIM 180200, HP:0009919. Disease mechanism: loss of function. Inheritance: Both sporadic and heritable forms are tested..

Allele frequency attached by ClinVar (database versions not stated): gnomAD exomes below 0.00001.

Submissions (3):

Ambry Genetics
Classification: Uncertain significance for Hereditary cancer-predisposing syndrome. Last evaluated: 2024-10-22. Review status: criteria provided, single submitter. Criteria: Ambry Variant Classification Scheme 2023. Collection method: clinical testing. Allele origin: germline.
Comment: The p.I752T variant (also known as c.2255T>C), located in coding exon 22 of the RB1 gene, results from a T to C substitution at nucleotide position 2255. The isoleucine at codon 752 is replaced by threonine, an amino acid with similar properties. This amino acid position is conserved. In addition, this alteration is predicted to be deleterious by in silico analysis. Since supporting evidence is limited at this time, the clinical significance of this alteration remains unclear.

Labcorp Genetics (formerly Invitae), Labcorp
Classification: Uncertain significance for Retinoblastoma. Last evaluated: 2024-10-16. Review status: criteria provided, single submitter. Criteria: Invitae Variant Classification Sherloc (09022015). Collection method: clinical testing. Allele origin: germline.
Comment: This sequence change replaces isoleucine, which is neutral and non-polar, with threonine, which is neutral and polar, at codon 752 of the RB1 protein (p.Ile752Thr). This variant is not present in population databases (gnomAD no frequency). This variant has not been reported in the literature in individuals affected with RB1-related conditions. ClinVar contains an entry for this variant (Variation ID: 1788515). Invitae Evidence Modeling of protein sequence and biophysical properties (such as structural, functional, and spatial information, amino acid conservation, physicochemical variation, residue mobility, and thermodynamic stability) indicates that this missense variant is expected to disrupt RB1 protein function with a positive predictive value of 80%. In summary, the available evidence is currently insufficient to determine the role of this variant in disease. Therefore, it has been classified as a Variant of Uncertain Significance.

GeneDx
Classification: Uncertain significance. Last evaluated: 2022-07-01. Review status: criteria provided, single submitter. Criteria: GeneDx Variant Classification Process June 2021. Collection method: clinical testing. Allele origin: germline. Affected: yes.
Comment: Has not been previously published as pathogenic or benign to our knowledge; Not observed at significant frequency in large population cohorts (gnomAD); In silico analysis supports that this missense variant has a deleterious effect on protein structure/function